The following is an entry in ClinVar:

NM_014908.4(DOLK):c.1514_1519del (p.Trp505_Ile506del)

Gene: DOLK (dolichol kinase; minus strand). Cytogenetic location: 9q34.11.
Variant type: Deletion.
Coding change: c.1514_1519del on transcript NM_014908.4 (MANE Select); coding-DNA positions 1514 to 1519, 6 bases deleted (GGATTT; older notation c.1514_1519delGGATTT).
Protein change: p.Trp505_Ile506del.
Molecular consequence: inframe indel (on NM_014908.3).
Genome position (GRCh38, 1-based): chr9:128,945,785-128,945,790, AAATCC deleted on the plus strand (GGATTT on the coding strand, the reverse complement: DOLK is on the minus strand); deleting any 6 consecutive bases within chr9:128,945,785-128,945,792 gives the same sequence; the c. name uses the placement nearest the transcript's 3' end. VCF-style (leftmost placement, unchanged base first): chr9-128945784-AAAATCC-A. GRCh37 (hg19) VCF-style: chr9-131708063-AAAATCC-A.
Other names: c.1514_1519delGGATTT (NM_014908.3).
Identifiers: ClinVar variation 4014375 (VCV004014375.1).
Genomic context (GRCh38, chr9:128,945,784, plus strand): 5'-AGGAGATTGTCTATCTGTGTAGTGTATGCTTCCAGGAGGGACACAGTGCTGATGGACCCC[AAAATCC>A]AAGCATAACTGTAGTTTAGGTCCACTCCACTGTCAAAGATTAAGATCAGAGCTACAGAAA-3'

ClinVar aggregate classification (germline): Uncertain significance (1 of 4 stars; one submission).

Conditions:
Cardiovascular phenotype. Identifiers: MedGen CN230736.

Submission:

Ambry Genetics
Classification: Uncertain significance for Cardiovascular phenotype. Last evaluated: 2025-03-19. Review status: criteria provided, single submitter. Criteria: Ambry Variant Classification Scheme 2023. Collection method: clinical testing. Allele origin: germline.
Comment: The c.1514_1519delGGATTT variant (also known as p.W505_I506del) is located in coding exon 1 of the DOLK gene. This variant results from an in-frame GGATTT deletion at nucleotide positions 1514 to 1519. This results in the in-frame deletion of a at codon 505. This amino acid region ranges from well conserved to highly conserved in available vertebrate species. In addition, the in silico prediction for this alteration is inconclusive (Choi Y et al. PLoS ONE. 2012; 7(10):e46688). Based on the available evidence, the clinical significance of this variant remains unclear.